The following is an entry in ClinVar:

ClinVar aggregate classification (germline): Uncertain significance. Review status: criteria provided, multiple submitters, no conflicts (2 of 4 stars). 3 submissions from 3 submitters: Uncertain significance (3). Last evaluated 2024-10-08.

Conditions:
Hypersulfaturia (HYSULF). Identifiers: MedGen C5830511, MONDO:0957268, OMIM 620372.
Nephrolithiasis susceptibility caused by SLC26A1 (CAON1). Also called: NEPHROLITHIASIS, CALCIUM OXALATE, 1. Identifiers: MedGen C5779632, MONDO:0020722, OMIM 167030.

Allele frequency attached by ClinVar (database versions not stated): gnomAD 0.00003; TOPMed 0.00003; ExAC 0.00004; 1000 Genomes Project 30x 0.00031; 1000 Genomes Project 0.00040.
gnomAD v4.1: 55 of 1,566,246 alleles (0.0035%); highest among the groups gnomAD compares: Middle Eastern, 0.017%; no homozygotes.

Submissions (3):

Blueprint Genetics
Classification: Uncertain significance. Last evaluated: 2024-10-08. Review status: criteria provided, single submitter. Criteria: ACMG Guidelines, 2015. Collection method: clinical testing. Allele origin: germline.

Fulgent Genetics
Classification: Uncertain significance for Nephrolithiasis susceptibility caused by SLC26A1; Hypersulfaturia. Last evaluated: 2024-01-22. Review status: criteria provided, single submitter. Criteria: ACMG Guidelines, 2015. Collection method: clinical testing. Allele origin: germline.

CeGaT Center for Human Genetics Tuebingen
Classification: Uncertain significance. Last evaluated: 2023-08-01. Review status: criteria provided, single submitter. Criteria: CeGaT Center For Human Genetics Tuebingen Variant Classification Criteria Version 2. Collection method: clinical testing. Allele origin: germline. Affected: yes. Observed: 1 variant allele.
Comment: SLC26A1: PM2, PP3

NM_022042.4(SLC26A1):c.722G>A (p.Gly241Glu)

Genes: IDUA (alpha-L-iduronidase; plus strand), SLC26A1 (solute carrier family 26 member 1; minus strand). Cytogenetic location: 4p16.3.
Variant type: single nucleotide variant.
Coding change: c.722G>A on transcript NM_022042.4 (MANE Select); coding-DNA position 722, G replaced by A.
Protein change: p.Gly241Glu; replaces glycine 241 with glutamic acid.
Molecular consequence: missense variant. On other transcripts: intron variant (2).
Genome position (GRCh38, 1-based): chr4:990,217, C>T on the plus strand (G>A on the coding strand, the complement: SLC26A1 is on the minus strand). VCF-style: chr4-990217-C-T. GRCh37 (hg19) VCF-style: chr4-984005-C-T.
Other names: c.722G>A, p.Gly241Glu (NM_213613.4); c.576+911G>A (NM_134425.4); c.299+2268C>T (NM_000203.5); short protein forms G241E.
Identifiers: ClinVar variation 2654536 (VCV002654536.26), dbSNP rs149040232, ClinGen allele CA2801565.